The following is an entry in ClinVar:

ClinVar aggregate classification (germline): Likely benign. Review status: criteria provided, multiple submitters, no conflicts (2 of 4 stars). 2 submissions from 2 submitters: Likely benign (2). Last evaluated 2026-07-06.

Conditions:
Rhabdoid tumor predisposition syndrome 2 (RTPS2). Identifiers: Orphanet 231108, Orphanet 69077, MedGen C2750074, MONDO:0013224, OMIM 613325.

Allele frequency attached by ClinVar (database versions not stated): TOPMed below 0.00001; ExAC 0.00001; gnomAD 0.00001; gnomAD exomes 0.00001 and 0.00002.
gnomAD v4.1: 33 of 1,612,588 alleles (0.002%); highest among the groups gnomAD compares: Non-Finnish European, 0.0028%; no homozygotes.

Submissions (2):

Myriad Genetics, Inc.
Classification: Likely benign for Rhabdoid tumor predisposition syndrome 2. Last evaluated: 2026-07-06. Review status: criteria provided, single submitter. Criteria: Myriad Autosomal Dominant, Autosomal Recessive and X-Linked Classification Criteria (2023). Collection method: clinical testing. Allele origin: unknown.
Comment: This variant is considered likely benign. This variant is intronic and is not expected to impact mRNA splicing.

Labcorp Genetics (formerly Invitae), Labcorp
Classification: Likely benign for Rhabdoid tumor predisposition syndrome 2. Last evaluated: 2025-12-10. Review status: criteria provided, single submitter. Criteria: Invitae Variant Classification Sherloc (09022015). Collection method: clinical testing. Allele origin: germline.

NM_003072.5(SMARCA4):c.356-6C>T

Gene: SMARCA4 (SWI/SNF related BAF chromatin remodeling complex subunit ATPase 4; plus strand). Cytogenetic location: 19p13.2.
Variant type: single nucleotide variant.
Coding change: c.356-6C>T on transcript NM_003072.5 (MANE Select); 6 bases into the intron before coding-DNA position 356, C replaced by T.
Molecular consequence: intron variant.
Genome position (GRCh38, 1-based): chr19:10,986,183, C>T. VCF-style: chr19-10986183-C-T. GRCh37 (hg19) VCF-style: chr19-11096859-C-T.
Other names: c.356-6C>T (NM_001128849.3, NM_001128847.4, NM_001387283.1 and 5 more transcripts).
Identifiers: ClinVar variation 537870 (VCV000537870.12), dbSNP rs750328834, ClinGen allele CA9203488.